The following is an entry in ClinVar:

NM_001378454.1(ALMS1):c.9262C>T (p.His3088Tyr)

Gene: ALMS1 (ALMS1 centrosome and basal body associated protein; plus strand). Cytogenetic location: 2p13.1.
Variant type: single nucleotide variant.
Coding change: c.9262C>T on transcript NM_001378454.1 (MANE Select); coding-DNA position 9262, C replaced by T.
Protein change: p.His3088Tyr; replaces histidine 3088 with tyrosine.
Molecular consequence: missense variant.
Genome position (GRCh38, 1-based): chr2:73,491,221, C>T. VCF-style: chr2-73491221-C-T. GRCh37 (hg19) VCF-style: chr2-73718348-C-T.
Other names: c.9265C>T, p.His3089Tyr (NM_015120.4); short protein forms H3089Y, H3088Y.
Identifiers: ClinVar variation 937078 (VCV000937078.10), dbSNP rs1672978412, ClinGen allele CA347273812.

ClinVar aggregate classification (germline): Uncertain significance. Review status: criteria provided, single submitter (1 of 4 stars). 2 submissions from 2 submitters: Uncertain significance (1). 1 of the submissions does not count toward it. Last evaluated 2019-08-23.

Conditions:
Alstrom syndrome (ALMS). Identifiers: Orphanet 64, MedGen C0268425, MONDO:0008763, OMIM 203800.

Allele frequency attached by ClinVar (database versions not stated): gnomAD exomes below 0.00001.
gnomAD v4.1: 1 of 1,614,140 alleles (0.000062%); highest among the groups gnomAD compares: South Asian, 0.0011%; no homozygotes.

Submissions (2):

Labcorp Genetics (formerly Invitae), Labcorp
Classification: Uncertain significance for Alstrom syndrome. Last evaluated: 2019-08-23. Review status: criteria provided, single submitter. Criteria: Invitae Variant Classification Sherloc (09022015). Collection method: clinical testing. Allele origin: germline.
Comment: In summary, the available evidence is currently insufficient to determine the role of this variant in disease. Therefore, it has been classified as a Variant of Uncertain Significance. Algorithms developed to predict the effect of missense changes on protein structure and function are either unavailable or do not agree on the potential impact of this missense change (SIFT: "Tolerated"; PolyPhen-2: "Not Available"; Align-GVGD: "Class C0"). This variant has not been reported in the literature in individuals with ALMS1-related conditions. This variant is not present in population databases (ExAC no frequency). This sequence change replaces histidine with tyrosine at codon 3089 of the ALMS1 protein (p.His3089Tyr). The histidine residue is weakly conserved and there is a moderate physicochemical difference between histidine and tyrosine.

Natera, Inc.
Classification: Uncertain significance for Alstrom syndrome. Last evaluated: 2021-09-30. Review status: no assertion criteria provided. Collection method: clinical testing. Allele origin: germline. Not counted in ClinVar's aggregate classification.